The following is an entry in ClinVar:

NM_001197104.2(KMT2A):c.1319T>A (p.Ile440Asn)

Gene: KMT2A (lysine methyltransferase 2A; plus strand). Cytogenetic location: 11q23.3.
Variant type: single nucleotide variant.
Coding change: c.1319T>A on transcript NM_001197104.2 (MANE Select); coding-DNA position 1319, T replaced by A.
Protein change: p.Ile440Asn; replaces isoleucine 440 with asparagine.
Molecular consequence: missense variant.
Genome position (GRCh38, 1-based): chr11:118,472,478, T>A. VCF-style: chr11-118472478-T-A. GRCh37 (hg19) VCF-style: chr11-118343193-T-A.
Other names: c.1418T>A, p.Ile473Asn (NM_001412597.1); c.1319T>A, p.Ile440Asn (NM_005933.4); short protein forms I440N, I473N.
Identifiers: ClinVar variation 2811522 (VCV002811522.3), dbSNP rs374085090, ClinGen allele CA382809856.

ClinVar aggregate classification (germline): Uncertain significance (1 of 4 stars; one submission).

Submission:

Labcorp Genetics (formerly Invitae), Labcorp
Classification: Uncertain significance. Last evaluated: 2022-11-02. Review status: criteria provided, single submitter. Criteria: Invitae Variant Classification Sherloc (09022015). Collection method: clinical testing. Allele origin: germline.
Comment: This sequence change replaces isoleucine, which is neutral and non-polar, with asparagine, which is neutral and polar, at codon 440 of the KMT2A protein (p.Ile440Asn). This variant is not present in population databases (gnomAD no frequency). This variant has not been reported in the literature in individuals affected with KMT2A-related conditions. Advanced modeling of protein sequence and biophysical properties (such as structural, functional, and spatial information, amino acid conservation, physicochemical variation, residue mobility, and thermodynamic stability) has been performed at Invitae for this missense variant, however the output from this modeling did not meet the statistical confidence thresholds required to predict the impact of this variant on KMT2A protein function. In summary, the available evidence is currently insufficient to determine the role of this variant in disease. Therefore, it has been classified as a Variant of Uncertain Significance.